The following is an entry in ClinVar:

ClinVar aggregate classification (germline): Uncertain significance (1 of 4 stars; one submission).

Conditions:
Bloom syndrome (BLM). Also called: Bloom-Torre-Machacek syndrome. Identifiers: Orphanet 125, MedGen C0005859, MONDO:0008876, OMIM 210900.

gnomAD v4.1: 5 of 1,613,758 alleles (0.00031%); highest among the groups gnomAD compares: Non-Finnish European, 0.00042%; no homozygotes.

Submission:

Labcorp Genetics (formerly Invitae), Labcorp
Classification: Uncertain significance for Bloom syndrome. Last evaluated: 2024-07-11. Review status: criteria provided, single submitter. Criteria: Invitae Variant Classification Sherloc (09022015). Collection method: clinical testing. Allele origin: germline.
Comment: This sequence change replaces glutamic acid, which is acidic and polar, with glutamine, which is neutral and polar, at codon 265 of the BLM protein (p.Glu265Gln). This variant is not present in population databases (gnomAD no frequency). This variant has not been reported in the literature in individuals affected with BLM-related conditions. ClinVar contains an entry for this variant (Variation ID: 1398765). An algorithm developed to predict the effect of missense changes on protein structure and function (PolyPhen-2) suggests that this variant is likely to be disruptive. In summary, the available evidence is currently insufficient to determine the role of this variant in disease. Therefore, it has been classified as a Variant of Uncertain Significance.

NM_000057.4(BLM):c.793G>C (p.Glu265Gln)

Gene: BLM (BLM RecQ like helicase; plus strand). Cytogenetic location: 15q26.1.
Variant type: single nucleotide variant.
Coding change: c.793G>C on transcript NM_000057.4 (MANE Select); coding-DNA position 793, G replaced by C.
Protein change: p.Glu265Gln; replaces glutamic acid 265 with glutamine.
Molecular consequence: missense variant. On other transcripts: 5 prime UTR variant (1).
Genome position (GRCh38, 1-based): chr15:90,750,061, G>C. VCF-style: chr15-90750061-G-C. GRCh37 (hg19) VCF-style: chr15-91293291-G-C.
Other names: c.793G>C, p.Glu265Gln (NM_001287246.2, NM_001287247.2); c.-499G>C (NM_001287248.2); short protein forms E265Q.
Identifiers: ClinVar variation 1398765 (VCV001398765.7), dbSNP rs751718191, ClinGen allele CA393841577.
Genomic context (GRCh38, chr15:90,750,061, plus strand): 5'-GAAGTGCATATAAATGAAGATGCTCAGGAAAGTGACTCTCTGAAAACTCATTTGGAAGAT[G>C]AAAGAGGTAACAATTATTTTATCTTCATTTTAGTATGTTCATTGTACTTTTTTATTCAAA-3'
Protein context (NP_000048.1, residues 255-275): SDSLKTHLED[Glu265Gln]RDNSEKKKNL